The following is an entry in ClinVar:

ClinVar aggregate classification (germline): Uncertain significance (1 of 4 stars; one submission).

Conditions:
Asphyxiating thoracic dystrophy 5 (SRTD5). Also called: SHORT-RIB THORACIC DYSPLASIA 5 WITH OR WITHOUT POLYDACTYLY; SHORT-RIB THORACIC DYSPLASIA 5 WITHOUT POLYDACTYLY. Identifiers: Orphanet 474, MedGen C3280598, MONDO:0013717, OMIM 614376.
Senior-Loken syndrome 8 (SLSN8). Identifiers: Orphanet 3156, MedGen C4225376, MONDO:0014579, OMIM 616307.

gnomAD v4.1: 4 of 1,608,920 alleles (0.00025%); highest among the groups gnomAD compares: Non-Finnish European, 0.00034%; no homozygotes.

Submission:

Labcorp Genetics (formerly Invitae), Labcorp
Classification: Uncertain significance for Senior-Loken syndrome 8; Asphyxiating thoracic dystrophy 5. Last evaluated: 2024-08-05. Review status: criteria provided, single submitter. Criteria: Invitae Variant Classification Sherloc (09022015). Collection method: clinical testing. Allele origin: germline.
Comment: This sequence change replaces tyrosine, which is neutral and polar, with cysteine, which is neutral and slightly polar, at codon 1023 of the WDR19 protein (p.Tyr1023Cys). The frequency data for this variant in the population databases is considered unreliable, as metrics indicate poor data quality at this position in the gnomAD database. This variant has not been reported in the literature in individuals affected with WDR19-related conditions. ClinVar contains an entry for this variant (Variation ID: 1346957). Advanced modeling of protein sequence and biophysical properties (such as structural, functional, and spatial information, amino acid conservation, physicochemical variation, residue mobility, and thermodynamic stability) has been performed at Invitae for this missense variant, however the output from this modeling did not meet the statistical confidence thresholds required to predict the impact of this variant on WDR19 protein function. In summary, the available evidence is currently insufficient to determine the role of this variant in disease. Therefore, it has been classified as a Variant of Uncertain Significance.

NM_025132.4(WDR19):c.3068A>G (p.Tyr1023Cys)

Gene: WDR19 (WD repeat domain 19; plus strand). Cytogenetic location: 4p14.
Variant type: single nucleotide variant.
Coding change: c.3068A>G on transcript NM_025132.4 (MANE Select); coding-DNA position 3068, A replaced by G.
Protein change: p.Tyr1023Cys; replaces tyrosine 1023 with cysteine.
Molecular consequence: missense variant.
Genome position (GRCh38, 1-based): chr4:39,255,914, A>G. VCF-style: chr4-39255914-A-G. GRCh37 (hg19) VCF-style: chr4-39257534-A-G.
Other names: c.2588A>G, p.Tyr863Cys (NM_001317924.2); short protein forms Y1023C, Y863C.
Identifiers: ClinVar variation 1346957 (VCV001346957.6), dbSNP rs759424617, ClinGen allele CA356642162.